The following is an entry in ClinVar:

ClinVar aggregate classification (germline): Uncertain significance. Review status: criteria provided, multiple submitters, no conflicts (2 of 4 stars). 2 submissions from 2 submitters: Uncertain significance (2). Last evaluated 2026-08-03.

Conditions:
Inborn genetic diseases. Identifiers: MedGen C0950123, MeSH D030342.

Submissions (2):

Ambry Genetics
Classification: Uncertain significance for Inborn genetic diseases. Last evaluated: 2026-08-03. Review status: criteria provided, single submitter. Criteria: Ambry Variant Classification Scheme 2023. Collection method: clinical testing. Allele origin: germline.

GeneDx
Classification: Uncertain significance. Last evaluated: 2024-12-03. Review status: criteria provided, single submitter. Criteria: GeneDx Variant Classification Process June 2021. Collection method: clinical testing. Allele origin: germline. Affected: yes.
Comment: Not observed at significant frequency in large population cohorts (gnomAD); Has not been previously published as pathogenic or benign to our knowledge; In silico analysis supports that this missense variant has a deleterious effect on protein structure/function

NM_032271.3(TRAF7):c.1583C>G (p.Ala528Gly)

Gene: TRAF7 (TNF receptor associated factor 7; plus strand). Cytogenetic location: 16p13.3.
Variant type: single nucleotide variant.
Coding change: c.1583C>G on transcript NM_032271.3 (MANE Select); coding-DNA position 1583, C replaced by G.
Protein change: p.Ala528Gly; replaces alanine 528 with glycine.
Molecular consequence: missense variant.
Genome position (GRCh38, 1-based): chr16:2,175,579, C>G. VCF-style: chr16-2175579-C-G. GRCh37 (hg19) VCF-style: chr16-2225580-C-G.
Other names: short protein forms A528G.
Identifiers: ClinVar variation 3901507 (VCV003901507.2).
Genomic context (GRCh38, chr16:2,175,579, plus strand): 5'-CTGAGCTGAAGTTGAAGAAGGAGCTCACAGGCCTCAACCACTGGGTGCGGGCCCTGGTGG[C>G]TGCCCAGAGCTACCTGTACAGCGGCTCCTACCAGACAATCAAGGTGCGCTTGGGCACACC-3'
Protein context (NP_115647.2, residues 518-538): GLNHWVRALV[Ala528Gly]AQSYLYSGSY